The following is an entry in ClinVar:

NM_133433.4(NIPBL):c.1247C>G (p.Ala416Gly)

Gene: NIPBL (NIPBL cohesin loading factor; plus strand). Cytogenetic location: 5p13.2.
Variant type: single nucleotide variant.
Coding change: c.1247C>G on transcript NM_133433.4 (MANE Select); coding-DNA position 1247, C replaced by G.
Protein change: p.Ala416Gly; replaces alanine 416 with glycine.
Molecular consequence: missense variant.
Genome position (GRCh38, 1-based): chr5:36,976,154, C>G. VCF-style: chr5-36976154-C-G. GRCh37 (hg19) VCF-style: chr5-36976256-C-G.
Other names: c.1247C>G, p.Ala416Gly (NM_015384.5); short protein forms A416G.
Identifiers: ClinVar variation 476583 (VCV000476583.8), dbSNP rs894352601, ClinGen allele CA359486092.

ClinVar aggregate classification (germline): Uncertain significance (1 of 4 stars; one submission).

Conditions:
Cornelia de Lange syndrome 1 (CDLS1). Also called: Brachmann de Lange syndrome; TYPUS DEGENERATIVUS AMSTELODAMENSIS; NIPBL-Related Cornelia de Lange Syndrome. Identifiers: Orphanet 199, MedGen C4551851, MONDO:0007387, OMIM 122470.

Allele frequency attached by ClinVar (database versions not stated): TOPMed below 0.00001.
gnomAD v4.1: 1 of 1,613,326 alleles (0.000062%); highest among the groups gnomAD compares: Non-Finnish European, 0.000085%; no homozygotes.

Submission:

Labcorp Genetics (formerly Invitae), Labcorp
Classification: Uncertain significance for Cornelia de Lange syndrome 1. Last evaluated: 2016-12-05. Review status: criteria provided, single submitter. Criteria: Invitae Variant Classification Sherloc (09022015). Collection method: clinical testing. Allele origin: germline.
Comment: In summary, this variant is a novel missense change with uncertain impact on protein function. It has been classified as a Variant of Uncertain Significance. Algorithms developed to predict the effect of missense changes on protein structure and function do not agree on the potential impact of this missense change (SIFT: "Deleterious"; PolyPhen-2: "Benign"; Align-GVGD: "Class C0"). This variant is not present in population databases (ExAC no frequency) and has not been reported in the literature in individuals with a NIPBL-related disease. This sequence change replaces alanine with glycine at codon 416 of the NIPBL protein (p.Ala416Gly). The alanine residue is moderately conserved and there is a small physicochemical difference between alanine and glycine.